The following is an entry in ClinVar:

ClinVar aggregate classification (germline): Uncertain significance (1 of 4 stars; one submission).

Conditions:
Ichthyosis linearis circumflexa. Identifiers: MedGen C0265962, MONDO:0043106, HP:0025810.

gnomAD v4.1: 6 of 1,611,758 alleles (0.00037%); highest among the groups gnomAD compares: Non-Finnish European, 0.00051%; no homozygotes.

Submission:

Labcorp Genetics (formerly Invitae), Labcorp
Classification: Uncertain significance for Ichthyosis linearis circumflexa. Last evaluated: 2021-10-07. Review status: criteria provided, single submitter. Criteria: Invitae Variant Classification Sherloc (09022015). Collection method: clinical testing. Allele origin: germline.
Comment: Algorithms developed to predict the effect of missense changes on protein structure and function are either unavailable or do not agree on the potential impact of this missense change (SIFT: "Deleterious"; PolyPhen-2: "Probably Damaging"; Align-GVGD: "Class C0"). This variant has not been reported in the literature in individuals affected with SPINK5-related conditions. This variant is not present in population databases (ExAC no frequency). This sequence change replaces cysteine with glycine at codon 632 of the SPINK5 protein (p.Cys632Gly). The cysteine residue is highly conserved and there is a large physicochemical difference between cysteine and glycine. In summary, the available evidence is currently insufficient to determine the role of this variant in disease. Therefore, it has been classified as a Variant of Uncertain Significance.

NM_006846.4(SPINK5):c.1894T>G (p.Cys632Gly)

Gene: SPINK5 (serine peptidase inhibitor Kazal type 5; plus strand). Cytogenetic location: 5q32.
Variant type: single nucleotide variant.
Coding change: c.1894T>G on transcript NM_006846.4 (MANE Select); coding-DNA position 1894, T replaced by G.
Protein change: p.Cys632Gly; replaces cysteine 632 with glycine.
Molecular consequence: missense variant.
Genome position (GRCh38, 1-based): chr5:148,114,368, T>G. VCF-style: chr5-148114368-T-G. GRCh37 (hg19) VCF-style: chr5-147493931-T-G.
Other names: c.1894T>G, p.Cys632Gly (NM_001127698.2, NM_001127699.2); short protein forms C632G.
Identifiers: ClinVar variation 1505171 (VCV001505171.6), dbSNP rs775767273, ClinGen allele CA361642017.